The following is an entry in ClinVar:

ClinVar aggregate classification (germline): Benign (1 of 4 stars; one submission).

Allele frequency attached by ClinVar (database versions not stated): 1000 Genomes Project 0.06869; 1000 Genomes Project 30x 0.06949; gnomAD 0.08421 and 0.08751; TOPMed 0.08742.
gnomAD v4.1: 12,792 of 152,228 alleles (8.4%); highest among the groups gnomAD compares: African/African-American, 14%; 642 homozygotes.

Submission:

GeneDx
Classification: Benign. Last evaluated: 2018-06-14. Review status: criteria provided, single submitter. Criteria: GeneDx Variant Classification (06012015). Collection method: clinical testing. Allele origin: germline. Affected: yes.
Comment: This variant is considered likely benign or benign based on one or more of the following criteria: it is a conservative change, it occurs at a poorly conserved position in the protein, it is predicted to be benign by multiple in silico algorithms, and/or has population frequency not consistent with disease.

NM_001256545.2(MEGF10):c.319+232A>G

Gene: MEGF10 (multiple EGF like domains 10; plus strand). Cytogenetic location: 5q23.2.
Variant type: single nucleotide variant.
Coding change: c.319+232A>G on transcript NM_001256545.2 (MANE Select); 232 bases into the intron after coding-DNA position 319, A replaced by G.
Molecular consequence: intron variant.
Genome position (GRCh38, 1-based): chr5:127,340,862, A>G. VCF-style: chr5-127340862-A-G. GRCh37 (hg19) VCF-style: chr5-126676554-A-G.
Other names: c.319+232A>G (NM_032446.3, NM_001308119.2, NM_001308121.2).
Identifiers: ClinVar variation 683179 (VCV000683179.1), dbSNP rs17165041, ClinGen allele CA127484646.